The following is an entry in ClinVar:

ClinVar aggregate classification (germline): Uncertain significance (1 of 4 stars; one submission).

Conditions:
Charcot-Marie-Tooth disease dominant intermediate B (CMTDIB). Also called: CHARCOT-MARIE-TOOTH NEUROPATHY, DOMINANT INTERMEDIATE B; Charcot-Marie-Tooth disease dominant intermediate 1; CMT DI1; Charcot-Marie-Tooth disease dominant intermediate I. Identifiers: Orphanet 100044, Orphanet 228179, MedGen C1847902, MONDO:0011674, OMIM 606482.

Submission:

Labcorp Genetics (formerly Invitae), Labcorp
Classification: Uncertain significance for Charcot-Marie-Tooth disease dominant intermediate B. Last evaluated: 2023-05-24. Review status: criteria provided, single submitter. Criteria: Invitae Variant Classification Sherloc (09022015). Collection method: clinical testing. Allele origin: germline.
Comment: In summary, the available evidence is currently insufficient to determine the role of this variant in disease. Therefore, it has been classified as a Variant of Uncertain Significance. Advanced modeling of protein sequence and biophysical properties (such as structural, functional, and spatial information, amino acid conservation, physicochemical variation, residue mobility, and thermodynamic stability) has been performed at Invitae for this missense variant, however the output from this modeling did not meet the statistical confidence thresholds required to predict the impact of this variant on DNM2 protein function. This variant has not been reported in the literature in individuals affected with DNM2-related conditions. This variant is not present in population databases (gnomAD no frequency). This sequence change replaces arginine, which is basic and polar, with methionine, which is neutral and non-polar, at codon 256 of the DNM2 protein (p.Arg256Met).

NM_001005361.3(DNM2):c.767G>T (p.Arg256Met)

Gene: DNM2 (dynamin 2; plus strand). Cytogenetic location: 19p13.2.
Variant type: single nucleotide variant.
Coding change: c.767G>T on transcript NM_001005361.3 (MANE Select); coding-DNA position 767, G replaced by T.
Protein change: p.Arg256Met; replaces arginine 256 with methionine.
Molecular consequence: missense variant.
Genome position (GRCh38, 1-based): chr19:10,783,038, G>T. VCF-style: chr19-10783038-G-T. GRCh37 (hg19) VCF-style: chr19-10893714-G-T.
Other names: c.767G>T, p.Arg256Met (NM_001005360.3, NM_001005362.3, NM_001190716.2 and 1 more transcripts); short protein forms R256M.
Identifiers: ClinVar variation 2710353 (VCV002710353.3), dbSNP rs2513183026, ClinGen allele CA404045259.
Genomic context (GRCh38, chr19:10,783,038, plus strand): 5'-ACCGCAGCCAGAAGGATATTGAGGGCAAGAAGGACATCCGTGCAGCACTGGCAGCTGAGA[G>T]GAAGTTCTTCCTCTCCCACCCGGCCTACCGGCACATGGCCGACCGCATGGGCACGCCACA-3'
Protein context (NP_001005361.1, residues 246-266): KDIRAALAAE[Arg256Met]KFFLSHPAYR